The following is an entry in ClinVar:

NM_001171.6(ABCC6):c.4367T>C (p.Ile1456Thr)

Genes: ABCC6 (ATP binding cassette subfamily C member 6; minus strand), LOC125146421 (Sharpr-MPRA regulatory region 15590; plus strand). Cytogenetic location: 16p13.11.
Variant type: single nucleotide variant.
Coding change: c.4367T>C on transcript NM_001171.6 (MANE Select); coding-DNA position 4367, T replaced by C.
Protein change: p.Ile1456Thr; replaces isoleucine 1456 with threonine.
Molecular consequence: missense variant. On other transcripts: non-coding transcript variant (1).
Genome position (GRCh38, 1-based): chr16:16,150,614, A>G on the plus strand (T>C on the coding strand, the complement: ABCC6 is on the minus strand). VCF-style: chr16-16150614-A-G. GRCh37 (hg19) VCF-style: chr16-16244471-A-G.
Other names: c.4025T>C, p.Ile1342Thr (NM_001351800.1); short protein forms I1456T, I1342T.
Identifiers: ClinVar variation 1996049 (VCV001996049.4), dbSNP rs1596579802, ClinGen allele CA394883735.

ClinVar aggregate classification (germline): Uncertain significance (1 of 4 stars; one submission).

Allele frequency attached by ClinVar (database versions not stated): gnomAD exomes below 0.00001; gnomAD 0.00001.
gnomAD v4.1: 2 of 1,612,674 alleles (0.00012%); highest among the groups gnomAD compares: East Asian, 0.0022%; no homozygotes.

Submission:

Labcorp Genetics (formerly Invitae), Labcorp
Classification: Uncertain significance. Last evaluated: 2022-06-02. Review status: criteria provided, single submitter. Criteria: Invitae Variant Classification Sherloc (09022015). Collection method: clinical testing. Allele origin: germline.
Comment: In summary, the available evidence is currently insufficient to determine the role of this variant in disease. Therefore, it has been classified as a Variant of Uncertain Significance. Algorithms developed to predict the effect of missense changes on protein structure and function are either unavailable or do not agree on the potential impact of this missense change (SIFT: "Deleterious"; PolyPhen-2: "Probably Damaging"; Align-GVGD: "Class C0"). This variant has not been reported in the literature in individuals affected with ABCC6-related conditions. This variant is not present in population databases (gnomAD no frequency). This sequence change replaces isoleucine, which is neutral and non-polar, with threonine, which is neutral and polar, at codon 1456 of the ABCC6 protein (p.Ile1456Thr).